The following is an entry in ClinVar:

ClinVar aggregate classification (germline): Uncertain significance (1 of 4 stars; one submission).

Conditions:
Combined immunodeficiency due to ZAP70 deficiency (IMD48). Also called: Immunodeficiency 48; ZAP70 Deficiency. Identifiers: Orphanet 911, MedGen C2931299, MONDO:0010023, OMIM 269840.

gnomAD v4.1: 3 of 1,614,112 alleles (0.00019%); highest among the groups gnomAD compares: Non-Finnish European, 0.00017%; no homozygotes.

Submission:

Labcorp Genetics (formerly Invitae), Labcorp
Classification: Uncertain significance for Combined immunodeficiency due to ZAP70 deficiency. Last evaluated: 2025-07-29. Review status: criteria provided, single submitter. Criteria: Invitae Variant Classification Sherloc (09022015). Collection method: clinical testing. Allele origin: germline.
Comment: This sequence change replaces alanine, which is neutral and non-polar, with valine, which is neutral and non-polar, at codon 463 of the ZAP70 protein (p.Ala463Val). This variant is not present in population databases (gnomAD no frequency). This missense change has been observed in individual(s) with combined immunodeficiency due to ZAP70 deficiency (PMID: 33484432). An algorithm developed to predict the effect of missense changes on protein structure and function (PolyPhen-2) suggests that this variant is likely to be disruptive. In summary, the available evidence is currently insufficient to determine the role of this variant in disease. Therefore, it has been classified as a Variant of Uncertain Significance.

Literature cited by the submitters: PubMed 33484432.

NM_001079.4(ZAP70):c.1388C>T (p.Ala463Val)

Gene: ZAP70 (zeta chain of T cell receptor associated protein kinase 70; plus strand). Cytogenetic location: 2q11.2.
Variant type: single nucleotide variant.
Coding change: c.1388C>T on transcript NM_001079.4 (MANE Select); coding-DNA position 1388, C replaced by T.
Protein change: p.Ala463Val; replaces alanine 463 with valine.
Molecular consequence: missense variant.
Genome position (GRCh38, 1-based): chr2:97,737,571, C>T. VCF-style: chr2-97737571-C-T. GRCh37 (hg19) VCF-style: chr2-98354034-C-T.
Other names: c.1388C>T, p.Ala463Val (NM_001378594.1); c.467C>T, p.Ala156Val (NM_207519.2); short protein forms A463V, A156V.
Identifiers: ClinVar variation 4697558 (VCV004697558.1).